The following is an entry in ClinVar:

NM_000435.3(NOTCH3):c.1531T>G (p.Cys511Gly)

Gene: NOTCH3 (notch receptor 3; minus strand). Cytogenetic location: 19p13.12.
Variant type: single nucleotide variant.
Coding change: c.1531T>G on transcript NM_000435.3 (MANE Select); coding-DNA position 1531, T replaced by G.
Protein change: p.Cys511Gly; replaces cysteine 511 with glycine.
Molecular consequence: missense variant.
Genome position (GRCh38, 1-based): chr19:15,187,956, A>C on the plus strand (T>G on the coding strand, the complement: NOTCH3 is on the minus strand). VCF-style: chr19-15187956-A-C. GRCh37 (hg19) VCF-style: chr19-15298767-A-C.
Other names: short protein forms C511G.
Identifiers: ClinVar variation 930703 (VCV000930703.3), dbSNP rs2046897246, ClinGen allele CA404526502.

ClinVar aggregate classification (germline): Pathogenic (1 of 4 stars; one submission).

Conditions:
Cerebral arteriopathy, autosomal dominant, with subcortical infarcts and leukoencephalopathy, type 1 (CADASIL1). Also called: Cerebral arteriopathy with subcortical infarcts and leukoencephalopathy 1; CADASIL 1; CASIL; DEMENTIA, HEREDITARY MULTIINFARCT TYPE. Identifiers: Orphanet 136, MedGen C4551768, MONDO:0000914, OMIM 125310.

Submission:

Centre for Mendelian Genomics, University Medical Centre Ljubljana
Classification: Pathogenic for Cerebral arteriopathy, autosomal dominant, with subcortical infarcts and leukoencephalopathy, type 1. Last evaluated: 2020-02-12. Review status: criteria provided, single submitter. Criteria: ACMG Guidelines, 2015. Collection method: clinical testing. Allele origin: unknown. Affected: yes.
Comment: This variant was classified as: Pathogenic. The following ACMG criteria were applied in classifying this variant: PM1_Strong,PM2,PM5,PP2,PP3,PP4.